The following is an entry in ClinVar:

NM_002299.4(LCT):c.2214del (p.Phe738fs)

Gene: LCT (lactase; minus strand). Cytogenetic location: 2q21.3.
Variant type: Deletion.
Coding change: c.2214del on transcript NM_002299.4 (MANE Select); coding-DNA position 2214, one base deleted (T; older notation c.2214delT).
Protein change: p.Phe738fs; shifts the reading frame from phenylalanine 738.
Molecular consequence: frameshift variant.
Genome position (GRCh38, 1-based): chr2:135,812,450, A deleted on the plus strand (T on the coding strand, the reverse complement: LCT is on the minus strand); the first of 3 consecutive A bases (chr2:135,812,450-135,812,452); deleting any one gives the same sequence. VCF-style (leftmost placement, unchanged base first): chr2-135812449-CA-C. GRCh37 (hg19) VCF-style: chr2-136570019-CA-C.
Other names: short protein forms F738fs.
Identifiers: ClinVar variation 2629380 (VCV002629380.1), dbSNP rs2467223826, ClinGen allele CA2695197014.
Genomic context (GRCh38, chr2:135,812,449, plus strand): 5'-TGGGCATGCCATTCCCGGCAAGGTATATTGGAACTTTTCCTCTTGTGTATTCCAGGGATA[CA>C]AACTGCAACAGCCTCCTTATCCCCCAGGGCACCACACGAATCCAAGAGGATGAGGTCTGG-3'

ClinVar aggregate classification (germline): Likely pathogenic (1 of 4 stars; one submission).

Conditions:
LCT-related disorder. Also called: LCT-related condition.

Submission:

PreventionGenetics, part of Exact Sciences
Classification: Likely pathogenic for LCT-related condition. Last evaluated: 2023-01-30. Review status: criteria provided, single submitter. Criteria: ACMG Guidelines, 2015. Collection method: clinical testing. Allele origin: germline.
Comment: The LCT c.2214delT variant is predicted to result in a frameshift and premature protein termination (p.Phe738Leufs*22). To our knowledge, this variant has not been reported in the literature or in a large population database, indicating this variant is rare. Frameshift variants in LCT are expected to be pathogenic. This variant is interpreted as likely pathogenic.